The following is an entry in ClinVar:

NM_006019.4(TCIRG1):c.2193C>T (p.Thr731=)

Gene: TCIRG1 (T cell immune regulator 1, ATPase H+ transporting V0 subunit a3; plus strand). Cytogenetic location: 11q13.2.
Variant type: single nucleotide variant.
Coding change: c.2193C>T on transcript NM_006019.4 (MANE Select); coding-DNA position 2193, C replaced by T.
Protein change: p.Thr731=; no amino-acid change (threonine 731 retained).
Molecular consequence: synonymous variant.
Genome position (GRCh38, 1-based): chr11:68,050,211, C>T. VCF-style: chr11-68050211-C-T. GRCh37 (hg19) VCF-style: chr11-67817678-C-T.
Other names: c.1299C>T, p.Thr433= (NM_001351059.2); c.1545C>T, p.Thr515= (NM_006053.4).
Identifiers: ClinVar variation 305818 (VCV000305818.41), dbSNP rs141601593, ClinGen allele CA6147433.

ClinVar aggregate classification (germline): Benign/Likely benign. Review status: criteria provided, multiple submitters, no conflicts (2 of 4 stars). 5 submissions from 5 submitters: Benign (1); Likely benign (3). 1 of the submissions does not count toward it. Last evaluated 2026-01-24.

Conditions:
Autosomal recessive osteopetrosis 1. Also called: TCIRG1-Related Osteopetrosis; ALBERS-SCHONBERG DISEASE, AUTOSOMAL RECESSIVE; TCIRG1-Related Autosomal Recessive Osteopetrosis. Identifiers: Orphanet 667, MedGen C1850127, MONDO:0009815, OMIM 259700.

Allele frequency attached by ClinVar (database versions not stated): ESP Exome Variant Server 0.00023; gnomAD 0.00025 and 0.00031; TOPMed 0.00042; gnomAD exomes 0.00053 and 0.00066; ExAC 0.00081; 1000 Genomes Project 0.00140; 1000 Genomes Project 30x 0.00156.

Submissions (5):

Labcorp Genetics (formerly Invitae), Labcorp
Classification: Benign. Last evaluated: 2026-01-24. Review status: criteria provided, single submitter. Criteria: Invitae Variant Classification Sherloc (09022015). Collection method: clinical testing. Allele origin: germline.

Blueprint Genetics
Classification: Likely benign. Last evaluated: 2024-10-18. Review status: criteria provided, single submitter. Criteria: ACMG Guidelines, 2015. Collection method: clinical testing. Allele origin: germline.

CeGaT Center for Human Genetics Tuebingen
Classification: Likely benign. Last evaluated: 2023-04-01. Review status: criteria provided, single submitter. Criteria: CeGaT Center For Human Genetics Tuebingen Variant Classification Criteria Version 2. Collection method: clinical testing. Allele origin: germline. Affected: yes. Observed: 1 variant allele.
Comment: TCIRG1: BP4, BP7

Illumina Laboratory Services, Illumina
Classification: Likely benign for Autosomal recessive osteopetrosis 1. Last evaluated: 2018-01-13. Review status: criteria provided, single submitter. Criteria: ICSL Variant Classification Criteria 13 December 2019. Collection method: clinical testing. Allele origin: germline.
Comment: This variant was observed in the ICSL laboratory as part of a predisposition screen in an ostensibly healthy population. It had not been previously curated by ICSL or reported in the Human Gene Mutation Database (HGMD: prior to June 1st, 2018), and was therefore a candidate for classification through an automated scoring system. Utilizing variant allele frequency, disease prevalence and penetrance estimates, and inheritance mode, an automated score was calculated to assess if this variant is too frequent to cause the disease. Based on the score and internal cut-off values, a variant classified as likely benign is not then subjected to further curation. The score for this variant resulted in a classification of likely benign for this disease.

Natera, Inc.
Classification: Benign for Infantile malignant osteopetrosis. Last evaluated: 2020-04-16. Review status: no assertion criteria provided. Collection method: clinical testing. Allele origin: germline. Not counted in ClinVar's aggregate classification.